The following is an entry in ClinVar:

ClinVar aggregate classification (germline): Uncertain significance (1 of 4 stars; one submission).

Submission:

Labcorp Genetics (formerly Invitae), Labcorp
Classification: Uncertain significance. Last evaluated: 2025-08-22. Review status: criteria provided, single submitter. Criteria: Invitae Variant Classification Sherloc (09022015). Collection method: clinical testing. Allele origin: germline.
Comment: This variant, c.2227_2229dup, results in the insertion of 1 amino acid(s) of the TONSL protein (p.Ser744dup), but otherwise preserves the integrity of the reading frame. This variant is present in population databases (rs770477309, gnomAD 0.006%). This variant has not been reported in the literature in individuals affected with TONSL-related conditions. Experimental studies and prediction algorithms are not available or were not evaluated, and the functional significance of this variant is currently unknown. In summary, the available evidence is currently insufficient to determine the role of this variant in disease. Therefore, it has been classified as a Variant of Uncertain Significance.

NM_013432.5(TONSL):c.2215AGC[6] (p.Ser744dup)

Genes: TONSL (tonsoku like, DNA repair protein; minus strand), TONSL-AS1 (TONSL antisense RNA 1; plus strand). Cytogenetic location: 8q24.3.
Variant type: Microsatellite.
Coding change: c.2215AGC[6] on transcript NM_013432.5 (MANE Select); six copies in a row of the 3-base unit AGC starting at c.2215; the reference has five copies in a row; one copy, 3 bases duplicated.
Protein change: p.Ser744dup; duplicates serine 744.
Molecular consequence: inframe insertion.
Genome position (GRCh38, 1-based): chr8:144,436,204-144,436,206, GCT duplicated on the plus strand (AGC on the coding strand, the reverse complement: TONSL is on the minus strand); duplicating any 3 consecutive bases within chr8:144,436,204-144,436,219 gives the same sequence; the position shown is the placement nearest the transcript's 3' end. VCF-style (leftmost placement, unchanged base first): chr8-144436203-A-AGCT. GRCh37 (hg19) VCF-style: chr8-145661586-A-AGCT.
Identifiers: ClinVar variation 1422831 (VCV001422831.5), dbSNP rs747457080, ClinGen allele CA4942892.
Genomic context (GRCh38, chr8:144,436,203, plus strand): 5'-CCGAGCACCGAGGCCTCTTCTGGGACGGCCGTGCGGGGCCTGCGCTGTCCTCGCCTTCTG[A>AGCT]GCTGCTGCTGCTGCTGGCTGGCCCATGCCTGCTCCTCCGAGGCCTGGCCATGGCTGGTGC-3'